The following is an entry in ClinVar:

NM_000039.3(APOA1):c.11C>A (p.Ala4Glu)

Genes: APOA1 (apolipoprotein A1; minus strand), APOA1-AS (APOA1 antisense RNA; plus strand). Cytogenetic location: 11q23.3.
Variant type: single nucleotide variant.
Coding change: c.11C>A on transcript NM_000039.3 (MANE Select); coding-DNA position 11, C replaced by A.
Protein change: p.Ala4Glu; replaces alanine 4 with glutamic acid.
Molecular consequence: missense variant.
Genome position (GRCh38, 1-based): chr11:116,837,377, G>T on the plus strand (C>A on the coding strand, the complement: APOA1 is on the minus strand). VCF-style: chr11-116837377-G-T. GRCh37 (hg19) VCF-style: chr11-116708093-G-T.
Other names: c.11C>A, p.Ala4Glu (NM_001318017.2, NM_001318018.2, NM_001425090.1 and 1 more transcripts); c.-273C>A (NM_001318021.2); c.-160C>A (NM_001425091.1); c.-309C>A (NM_001425092.1); short protein forms A4E.
Identifiers: ClinVar variation 3004131 (VCV003004131.3), dbSNP rs1265273561, ClinGen allele CA382722492.
Genomic context (GRCh38, chr11:116,837,377, plus strand): 5'-TTGGCTCCCTAGGTTAGGGGACACCTACCCGTCAGGAAGAGCACGGCCAAGGTCAGCACC[G>T]CAGCTTTCATCCTGAAGGGCCGTGGGGGACCTGGAGGAGAAGAAGGGCCTGGCTGAGTGG-3'
Protein context (NP_000030.1, residues 1-14): MKA[Ala4Glu]VLTLAVLFLT

ClinVar aggregate classification (germline): Uncertain significance (1 of 4 stars; one submission).

Submission:

Labcorp Genetics (formerly Invitae), Labcorp
Classification: Uncertain significance. Last evaluated: 2022-12-11. Review status: criteria provided, single submitter. Criteria: Invitae Variant Classification Sherloc (09022015). Collection method: clinical testing. Allele origin: germline.
Comment: Advanced modeling of protein sequence and biophysical properties (such as structural, functional, and spatial information, amino acid conservation, physicochemical variation, residue mobility, and thermodynamic stability) performed at Invitae indicates that this missense variant is expected to disrupt APOA1 protein function. This variant has not been reported in the literature in individuals affected with APOA1-related conditions. This variant is not present in population databases (gnomAD no frequency). This sequence change replaces alanine, which is neutral and non-polar, with glutamic acid, which is acidic and polar, at codon 4 of the APOA1 protein (p.Ala4Glu). In summary, the available evidence is currently insufficient to determine the role of this variant in disease. Therefore, it has been classified as a Variant of Uncertain Significance.